The following is an entry in ClinVar:

NM_002878.4(RAD51D):c.617A>C (p.Asp206Ala)

Genes: RAD51D (RAD51 paralog D; minus strand), RAD51L3-RFFL (RAD51L3-RFFL readthrough; minus strand). Cytogenetic location: 17q12.
Variant type: single nucleotide variant.
Coding change: c.617A>C on transcript NM_002878.4 (MANE Select); coding-DNA position 617, A replaced by C.
Protein change: p.Asp206Ala; replaces aspartic acid 206 with alanine.
Molecular consequence: missense variant. On other transcripts: non-coding transcript variant (3).
Genome position (GRCh38, 1-based): chr17:35,103,504, T>G on the plus strand (A>C on the coding strand, the complement: RAD51D is on the minus strand). VCF-style: chr17-35103504-T-G. GRCh37 (hg19) VCF-style: chr17-33430523-T-G.
Other names: c.677A>C, p.Asp226Ala (NM_001142571.2); c.281A>C, p.Asp94Ala (NM_133629.3); short protein forms D206A, D94A, D226A.
Identifiers: ClinVar variation 3702896 (VCV003702896.2).

ClinVar aggregate classification (germline): Uncertain significance (1 of 4 stars; one submission).

Conditions:
Breast-ovarian cancer, familial, susceptibility to, 4. Identifiers: Orphanet 145, MedGen C3280345, MONDO:0013669, OMIM 614291.

Submission:

Labcorp Genetics (formerly Invitae), Labcorp
Classification: Uncertain significance for Breast-ovarian cancer, familial, susceptibility to, 4. Last evaluated: 2024-10-21. Review status: criteria provided, single submitter. Criteria: Invitae Variant Classification Sherloc (09022015). Collection method: clinical testing. Allele origin: germline.
Comment: This sequence change replaces aspartic acid, which is acidic and polar, with alanine, which is neutral and non-polar, at codon 206 of the RAD51D protein (p.Asp206Ala). This variant is not present in population databases (gnomAD no frequency). This variant has not been reported in the literature in individuals affected with RAD51D-related conditions. Invitae Evidence Modeling of protein sequence and biophysical properties (such as structural, functional, and spatial information, amino acid conservation, physicochemical variation, residue mobility, and thermodynamic stability) indicates that this missense variant is expected to disrupt RAD51D protein function with a positive predictive value of 80%. Experimental studies have shown that this missense change affects RAD51D function (PMID: 16717288, 28646019). In summary, the available evidence is currently insufficient to determine the role of this variant in disease. Therefore, it has been classified as a Variant of Uncertain Significance.

Literature cited by the submitters: PubMed 16717288; PubMed 28646019.